The following is an entry in ClinVar:

ClinVar aggregate classification (germline): Uncertain significance. Review status: criteria provided, multiple submitters, no conflicts (2 of 4 stars). 2 submissions from 2 submitters: Uncertain significance (2). Last evaluated 2026-01-21.

Conditions:
Autosomal dominant limb-girdle muscular dystrophy type 1G (LGMDD3). Also called: Limb-girdle muscular dystrophy, type 1G; MUSCULAR DYSTROPHY, LIMB-GIRDLE, AUTOSOMAL DOMINANT 3. Identifiers: Orphanet 55596, MedGen C1836765, MONDO:0012193, OMIM 609115.

Submissions (2):

Labcorp Genetics (formerly Invitae), Labcorp
Classification: Uncertain significance for Autosomal dominant limb-girdle muscular dystrophy type 1G. Last evaluated: 2026-01-21. Review status: criteria provided, single submitter. Criteria: Invitae Variant Classification Sherloc (09022015). Collection method: clinical testing. Allele origin: germline.
Comment: This variant, c.300_302dup, results in the insertion of 1 amino acid(s) of the HNRNPDL protein (p.Ala104dup), but otherwise preserves the integrity of the reading frame. This variant is present in population databases (rs776181176, gnomAD 0.005%). This variant has not been reported in the literature in individuals affected with HNRNPDL-related conditions. ClinVar contains an entry for this variant (Variation ID: 643492). Experimental studies and prediction algorithms are not available or were not evaluated, and the functional significance of this variant is currently unknown. In summary, the available evidence is currently insufficient to determine the role of this variant in disease. Therefore, it has been classified as a Variant of Uncertain Significance.

Revvity Omics, Revvity
Classification: Uncertain significance for Autosomal dominant limb-girdle muscular dystrophy type 1G. Last evaluated: 2020-02-12. Review status: criteria provided, single submitter. Criteria: ACMG Guidelines, 2015. Collection method: clinical testing. Allele origin: germline.

NM_031372.4(HNRNPDL):c.294CGC[4] (p.Ala104dup)

Gene: HNRNPDL (heterogeneous nuclear ribonucleoprotein D like; minus strand). Cytogenetic location: 4q21.22.
Variant type: Microsatellite.
Coding change: c.294CGC[4] on transcript NM_031372.4 (MANE Select); four copies in a row of the 3-base unit CGC starting at c.294; the reference has three copies in a row; one copy, 3 bases duplicated; also written c.300_302dup.
Protein change: p.Ala104dup; duplicates alanine 104.
Molecular consequence: inframe insertion. On other transcripts: non-coding transcript variant (1).
Genome position (GRCh38, 1-based): chr4:82,429,389-82,429,391, GCG duplicated on the plus strand (CGC on the coding strand, the reverse complement: HNRNPDL is on the minus strand); duplicating any 3 consecutive bases within chr4:82,429,389-82,429,398 gives the same sequence; the position shown is the placement nearest the transcript's 3' end. VCF-style (leftmost placement, unchanged base first): chr4-82429388-A-AGCG. GRCh37 (hg19) VCF-style: chr4-83350541-A-AGCG.
Other names: c.300_302dupCGC (NM_031372.3); c.300_302dup (NM_031372.3); c.294CGC[4], p.Ala104dup (NM_001207000.1).
Identifiers: ClinVar variation 643492 (VCV000643492.11), dbSNP rs776181176, ClinGen allele CA2985065.
Genomic context (GRCh38, chr4:82,429,388, plus strand): 5'-CTCCATAGTGACGGAGCTGTCGGCAGGGGGGTGCTGGCGCGCAGTCCGGGTCGCGGCAGC[A>AGCG]GCGGCGGCGGAGCGTTGTATGGAGCTGGATTTAAAATGGCGGCGGAAGAGATCCGGGCGC-3'